The following is an entry in ClinVar:

NM_000428.3(LTBP2):c.3220G>A (p.Ala1074Thr)

Gene: LTBP2 (latent transforming growth factor beta binding protein 2; minus strand). Cytogenetic location: 14q24.3.
Variant type: single nucleotide variant.
Coding change: c.3220G>A on transcript NM_000428.3 (MANE Select); coding-DNA position 3220, G replaced by A.
Protein change: p.Ala1074Thr; replaces alanine 1074 with threonine.
Molecular consequence: missense variant.
Genome position (GRCh38, 1-based): chr14:74,509,791, C>T on the plus strand (G>A on the coding strand, the complement: LTBP2 is on the minus strand). VCF-style: chr14-74509791-C-T. GRCh37 (hg19) VCF-style: chr14-74976494-C-T.
Other names: short protein forms A1074T.
Identifiers: ClinVar variation 2181571 (VCV002181571.1), dbSNP rs375244685, ClinGen allele CA7269250.

ClinVar aggregate classification (germline): Uncertain significance (1 of 4 stars; one submission).

Allele frequency attached by ClinVar (database versions not stated): gnomAD exomes 0.00001; ExAC 0.00002; ESP Exome Variant Server 0.00008; gnomAD 0.00008; TOPMed 0.00012; 1000 Genomes Project 30x 0.00016; 1000 Genomes Project 0.00020.

Submission:

Labcorp Genetics (formerly Invitae), Labcorp
Classification: Uncertain significance. Last evaluated: 2022-07-15. Review status: criteria provided, single submitter. Criteria: Invitae Variant Classification Sherloc (09022015). Collection method: clinical testing. Allele origin: germline.
Comment: This sequence change replaces alanine, which is neutral and non-polar, with threonine, which is neutral and polar, at codon 1074 of the LTBP2 protein (p.Ala1074Thr). This variant is present in population databases (rs375244685, gnomAD 0.01%). This variant has not been reported in the literature in individuals affected with LTBP2-related conditions. Algorithms developed to predict the effect of missense changes on protein structure and function output the following: SIFT: "Tolerated"; PolyPhen-2: "Benign"; Align-GVGD: "Class C0". The threonine amino acid residue is found in multiple mammalian species, which suggests that this missense change does not adversely affect protein function. In summary, the available evidence is currently insufficient to determine the role of this variant in disease. Therefore, it has been classified as a Variant of Uncertain Significance.